The following is an entry in ClinVar:

ClinVar aggregate classification (germline): Likely benign. Review status: criteria provided, single submitter (1 of 4 stars). 2 submissions from 2 submitters: Likely benign (1). 1 of the submissions does not count toward it. Last evaluated 2025-11-12.

Conditions:
Epilepsy, familial adult myoclonic, 5 (EPEO5). Also called: CORTICAL MYOCLONIC TREMOR WITH EPILEPSY, FAMILIAL, 5. Identifiers: Orphanet 86814, MedGen C3809374, MONDO:0014167, OMIM 615400.
CNTN2-related disorder. Also called: CNTN2-related condition.

Allele frequency attached by ClinVar (database versions not stated): TOPMed 0.00019; ESP Exome Variant Server 0.00031; gnomAD 0.00013 and 0.00015.
gnomAD v4.1: 48 of 1,613,802 alleles (0.003%); highest among the groups gnomAD compares: African/African-American, 0.051%; no homozygotes.

Submissions (2):

Labcorp Genetics (formerly Invitae), Labcorp
Classification: Likely benign for Epilepsy, familial adult myoclonic, 5. Last evaluated: 2025-11-12. Review status: criteria provided, single submitter. Criteria: Invitae Variant Classification Sherloc (09022015). Collection method: clinical testing. Allele origin: germline.

PreventionGenetics, part of Exact Sciences
Classification: Likely benign for CNTN2-related condition. Last evaluated: 2019-07-18. Review status: no assertion criteria provided. Collection method: clinical testing. Allele origin: germline. Not counted in ClinVar's aggregate classification.
Comment: This variant is classified as likely benign based on ACMG/AMP sequence variant interpretation guidelines (Richards et al. 2015 PMID: 25741868, with internal and published modifications).

NM_005076.5(CNTN2):c.2514G>A (p.Gln838=)

Gene: CNTN2 (contactin 2; plus strand). Cytogenetic location: 1q32.1.
Variant type: single nucleotide variant.
Coding change: c.2514G>A on transcript NM_005076.5 (MANE Select); coding-DNA position 2514, G replaced by A.
Protein change: p.Gln838=; no amino-acid change (glutamine 838 retained).
Molecular consequence: synonymous variant. On other transcripts: non-coding transcript variant (1).
Genome position (GRCh38, 1-based): chr1:205,070,508, G>A. VCF-style: chr1-205070508-G-A. GRCh37 (hg19) VCF-style: chr1-205039636-G-A.
Other names: c.2514G>A (NM_005076.4); c.2514G>A, p.Gln838= (NM_001346083.2).
Identifiers: ClinVar variation 772030 (VCV000772030.12), dbSNP rs144293383, ClinGen allele CA1351712.
Genomic context (GRCh38, chr1:205,070,508, plus strand): 5'-GGTGTGGGCCAAAGGGGTCTCATCCTCAGAGATGAACGTGACCTGGGAACCCGTGCAGCA[G>A]GACATGAATGGTATCCTCCTGGGGTATGAGGTGAGCACCAACCTGGGACTTGGGAGAGGA-3'
Protein context (NP_005067.1, residues 828-848): EMNVTWEPVQ[Gln838=]DMNGILLGYE